The following is an entry in ClinVar:

ClinVar aggregate classification (germline): Pathogenic. Review status: criteria provided, multiple submitters, no conflicts (2 of 4 stars). 2 submissions from 2 submitters: Pathogenic (2). Last evaluated 2025-05-04.

Conditions:
USH2A-related disorder. Also called: USH2A-related condition; USH2A-related disorders. Identifiers: MedGen CN239332.

Allele frequency attached by ClinVar (database versions not stated): TOPMed below 0.00001; gnomAD exomes 0.00001.
gnomAD v4.1: 10 of 1,613,478 alleles (0.00062%); highest among the groups gnomAD compares: Non-Finnish European, 0.00085%; no homozygotes.

Submissions (2):

Labcorp Genetics (formerly Invitae), Labcorp
Classification: Pathogenic. Last evaluated: 2025-05-04. Review status: criteria provided, single submitter. Criteria: Invitae Variant Classification Sherloc (09022015). Collection method: clinical testing. Allele origin: germline.
Comment: This sequence change replaces tryptophan, which is neutral and slightly polar, with arginine, which is basic and polar, at codon 1607 of the USH2A protein (p.Trp1607Arg). This variant is not present in population databases (gnomAD no frequency). This missense change has been observed in individual(s) with clinical features of Usher syndrome (internal data). ClinVar contains an entry for this variant (Variation ID: 866172). Invitae Evidence Modeling of protein sequence and biophysical properties (such as structural, functional, and spatial information, amino acid conservation, physicochemical variation, residue mobility, and thermodynamic stability) indicates that this missense variant is expected to disrupt USH2A protein function with a positive predictive value of 95%. This variant disrupts the p.Trp1607 amino acid residue in USH2A. Other variant(s) that disrupt this residue have been determined to be pathogenic (PMID: 32188678, 32675063). This suggests that this residue is clinically significant, and that variants that disrupt this residue are likely to be disease-causing. For these reasons, this variant has been classified as Pathogenic.

Blueprint Genetics
Classification: Pathogenic for USH2A-related disorders. Last evaluated: 2019-10-01. Review status: criteria provided, single submitter. Criteria: ACMG Guidelines, 2015. Collection method: clinical testing. Allele origin: germline. Affected: yes. Observed: 5 variant alleles.

Literature cited by the submitters: PubMed 32188678 (cited by Labcorp Genetics (formerly Invitae), Labcorp); PubMed 32675063 (cited by Labcorp Genetics (formerly Invitae), Labcorp).

NM_206933.4(USH2A):c.4819T>C (p.Trp1607Arg)

Gene: USH2A (usherin; minus strand). Cytogenetic location: 1q41.
Variant type: single nucleotide variant.
Coding change: c.4819T>C on transcript NM_206933.4 (MANE Select); coding-DNA position 4819, T replaced by C.
Protein change: p.Trp1607Arg; replaces tryptophan 1607 with arginine.
Molecular consequence: missense variant.
Genome position (GRCh38, 1-based): chr1:216,089,079, A>G on the plus strand (T>C on the coding strand, the complement: USH2A is on the minus strand). VCF-style: chr1-216089079-A-G. GRCh37 (hg19) VCF-style: chr1-216262421-A-G.
Other names: short protein forms W1607R.
Identifiers: ClinVar variation 866172 (VCV000866172.9), dbSNP rs2032221850, ClinGen allele CA344860735.